The following is an entry in ClinVar:

NM_002693.3(POLG):c.659+1G>C

Genes: POLG (DNA polymerase gamma, catalytic subunit; minus strand), POLGARF (POLG alternative reading frame; minus strand). Cytogenetic location: 15q26.1.
Variant type: single nucleotide variant.
Coding change: c.659+1G>C on transcript NM_002693.3 (MANE Select); the canonical splice donor site of the intron after coding-DNA position 659, G replaced by C.
Molecular consequence: splice donor variant.
Genome position (GRCh38, 1-based): chr15:89,333,095, C>G on the plus strand (G>C on the coding strand, the complement: POLG is on the minus strand). VCF-style: chr15-89333095-C-G. GRCh37 (hg19) VCF-style: chr15-89876326-C-G.
Other names: c.659+1G>C (NM_001126131.2).
Identifiers: ClinVar variation 3240174 (VCV003240174.2), dbSNP rs1348641548.
Genomic context (GRCh38, chr15:89,333,095, plus strand): 5'-AAACAAACTATTAAGCTGGGCCCCCATGCCTGCTTATGTCCCCAACCCTGCCCCTACTTA[C>G]CAGGCCGAGGGGGATATGGCCACCGCCAATGTGGGGCAAGTTCCCTCTGCCAAGCAGACC-3'

ClinVar aggregate classification (germline): Likely pathogenic. Review status: criteria provided, multiple submitters, no conflicts (2 of 4 stars). 2 submissions from 2 submitters: Likely pathogenic (2). Last evaluated 2025-11-19.

Conditions:
Progressive sclerosing poliodystrophy (MTDPS4A). Also called: ALPERS PROGRESSIVE INFANTILE POLIODYSTROPHY; NEURONAL DEGENERATION OF CHILDHOOD WITH LIVER DISEASE, PROGRESSIVE; Mitochondrial DNA Depletion Syndrome 4A; Alpers-Huttenlocher Syndrome (AHS); Alpers Syndrome; ALPERS DIFFUSE DEGENERATION OF CEREBRAL GRAY MATTER WITH HEPATIC CIRRHOSIS. Identifiers: Orphanet 726, MedGen C0205710, MONDO:0008758, OMIM 203700.

gnomAD v4.1: 1 of 1,512,130 alleles (0.000066%); highest among the groups gnomAD compares: Admixed American, 0.0023%; no homozygotes.

Submissions (2):

Labcorp Genetics (formerly Invitae), Labcorp
Classification: Likely pathogenic for Progressive sclerosing poliodystrophy. Last evaluated: 2025-11-19. Review status: criteria provided, single submitter. Criteria: Invitae Variant Classification Sherloc (09022015). Collection method: clinical testing. Allele origin: germline.
Comment: This sequence change affects a donor splice site in intron 2 of the POLG gene. It is expected to disrupt RNA splicing. Variants that disrupt the donor or acceptor splice site typically lead to a loss of protein function (PMID: 16199547), and loss-of-function variants in POLG are known to be pathogenic (PMID: 18546365). This variant is not present in population databases (gnomAD no frequency). This variant has not been reported in the literature in individuals affected with POLG-related conditions. ClinVar contains an entry for this variant (Variation ID: 3240174). Algorithms developed to predict the effect of sequence changes on RNA splicing suggest that this variant may disrupt the consensus splice site. In summary, the currently available evidence indicates that the variant is pathogenic, but additional data are needed to prove that conclusively. Therefore, this variant has been classified as Likely Pathogenic.

Baylor Genetics
Classification: Likely pathogenic for Progressive sclerosing poliodystrophy. Last evaluated: 2024-02-08. Review status: criteria provided, single submitter. Criteria: ACMG Guidelines, 2015. Collection method: clinical testing. Allele origin: unknown.

Literature cited by the submitters: PubMed 16199547 (cited by Labcorp Genetics (formerly Invitae), Labcorp); PubMed 18546365 (cited by Labcorp Genetics (formerly Invitae), Labcorp).